The following is an entry in ClinVar:

NM_005585.5(SMAD6):c.388T>C (p.Ser130Pro)

Gene: SMAD6 (SMAD family member 6; plus strand). Cytogenetic location: 15q22.31.
Variant type: single nucleotide variant.
Coding change: c.388T>C on transcript NM_005585.5 (MANE Select); coding-DNA position 388, T replaced by C.
Protein change: p.Ser130Pro; replaces serine 130 with proline.
Molecular consequence: missense variant. On other transcripts: non-coding transcript variant (1).
Genome position (GRCh38, 1-based): chr15:66,703,646, T>C. VCF-style: chr15-66703646-T-C. GRCh37 (hg19) VCF-style: chr15-66995984-T-C.
Other names: c.388T>C (NM_005585.4); short protein forms S130P.
Identifiers: ClinVar variation 1007368 (VCV001007368.10), dbSNP rs1893032616, ClinGen allele CA392949452.
Genomic context (GRCh38, chr15:66,703,646, plus strand): 5'-CCGGGAGGCCCGGGCTGGCTGCCCGAGAGTGACTGCGAGACGGTGACCTGCTGTCTCTTT[T>C]CGGAGCGGGACGCCGCCGGCGCGCCCCGGGACGCCAGCGACCCCCTGGCCGGGGCGGCCC-3'
Protein context (NP_005576.3, residues 120-140): DCETVTCCLF[Ser130Pro]ERDAAGAPRD

ClinVar aggregate classification (germline): Uncertain significance. Review status: criteria provided, multiple submitters, no conflicts (2 of 4 stars). 2 submissions from 2 submitters: Uncertain significance (2). Last evaluated 2024-04-30.

Conditions:
Inborn genetic diseases. Identifiers: MedGen C0950123, MeSH D030342.
Aortic valve disease 2 (AOVD2). Identifiers: MedGen C3542024, MONDO:0013902, OMIM 614823.

Allele frequency attached by ClinVar (database versions not stated): gnomAD 0.00001.
gnomAD v4.1: 1 of 1,232,004 alleles (0.000081%); no homozygotes.

Submissions (2):

Labcorp Genetics (formerly Invitae), Labcorp
Classification: Uncertain significance for Aortic valve disease 2. Last evaluated: 2024-04-30. Review status: criteria provided, single submitter. Criteria: Invitae Variant Classification Sherloc (09022015). Collection method: clinical testing. Allele origin: germline.
Comment: This sequence change replaces serine, which is neutral and polar, with proline, which is neutral and non-polar, at codon 130 of the SMAD6 protein (p.Ser130Pro). This variant is not present in population databases (gnomAD no frequency). This variant has not been reported in the literature in individuals affected with SMAD6-related conditions. ClinVar contains an entry for this variant (Variation ID: 1007368). An algorithm developed to predict the effect of missense changes on protein structure and function (PolyPhen-2) suggests that this variant is likely to be tolerated. In summary, the available evidence is currently insufficient to determine the role of this variant in disease. Therefore, it has been classified as a Variant of Uncertain Significance.

Ambry Genetics
Classification: Uncertain significance for Inborn genetic diseases. Last evaluated: 2023-04-16. Review status: criteria provided, single submitter. Criteria: Ambry Variant Classification Scheme 2023. Collection method: clinical testing. Allele origin: germline.
Comment: The p.S130P variant (also known as c.388T>C), located in coding exon 1 of the SMAD6 gene, results from a T to C substitution at nucleotide position 388. The serine at codon 130 is replaced by proline, an amino acid with similar properties. This amino acid position is conserved. In addition, this alteration is predicted to be tolerated by in silico analysis. Since supporting evidence is limited at this time, the clinical significance of this alteration remains unclear.